The following is an entry in ClinVar:

NM_177438.3(DICER1):c.5022C>G (p.Asn1674Lys)

Gene: DICER1 (dicer 1, ribonuclease III; minus strand). Cytogenetic location: 14q32.13.
Variant type: single nucleotide variant.
Coding change: c.5022C>G on transcript NM_177438.3 (MANE Select); coding-DNA position 5022, C replaced by G.
Protein change: p.Asn1674Lys; replaces asparagine 1674 with lysine.
Molecular consequence: missense variant.
Genome position (GRCh38, 1-based): chr14:95,095,898, G>C on the plus strand (C>G on the coding strand, the complement: DICER1 is on the minus strand). VCF-style: chr14-95095898-G-C. GRCh37 (hg19) VCF-style: chr14-95562235-G-C.
Other names: c.5022C>G, p.Asn1674Lys (NM_001195573.1, NM_001271282.3, NM_001291628.2 and 1 more transcripts); short protein forms N1674K.
Identifiers: ClinVar variation 936466 (VCV000936466.14), dbSNP rs1890265352, ClinGen allele CA390866076.
Genomic context (GRCh38, chr14:95,095,898, plus strand): 5'-GTAGTGGTAGGAGGCATGTGTAAAAGCCTGGAGAAGGTAAGCCTTATTCTTGAATCTGTA[G>C]TTGATTTTCTTTTCAAAATTTTCAAACCCCGATATAAGGTGATTCAGTGTTTTATCTGCA-3'
Protein context (NP_803187.1, residues 1664-1684): SGFENFEKKI[Asn1674Lys]YRFKNKAYLL

ClinVar aggregate classification (germline): Uncertain significance. Review status: criteria provided, multiple submitters, no conflicts (2 of 4 stars). 2 submissions from 2 submitters: Uncertain significance (2). Last evaluated 2025-08-25.

Conditions:
DICER1-related tumor predisposition. Also called: DICER1 syndrome; DICER1-related pleuropulmonary blastoma cancer predisposition syndrome. Identifiers: Orphanet 284343, MedGen C3839822, MONDO:0100216.
Hereditary cancer-predisposing syndrome. Also called: Tumor predisposition; Hereditary neoplastic syndrome; Neoplastic Syndromes, Hereditary; Hereditary Cancer Syndrome. Identifiers: Orphanet 140162, MedGen C0027672, MeSH D009386, MONDO:0015356.

Submissions (2):

Ambry Genetics
Classification: Uncertain significance for Hereditary cancer-predisposing syndrome. Last evaluated: 2025-08-25. Review status: criteria provided, single submitter. Criteria: Ambry Variant Classification Scheme 2023. Collection method: clinical testing. Allele origin: germline.
Comment: The p.N1674K variant (also known as c.5022C>G), located in coding exon 22 of the DICER1 gene, results from a C to G substitution at nucleotide position 5022. The asparagine at codon 1674 is replaced by lysine, an amino acid with similar properties. This amino acid position is highly conserved in available vertebrate species. In addition, this alteration is predicted to be tolerated by in silico analysis. Since supporting evidence is limited at this time, the clinical significance of this alteration remains unclear.

Labcorp Genetics (formerly Invitae), Labcorp
Classification: Uncertain significance for DICER1-related tumor predisposition. Last evaluated: 2024-07-04. Review status: criteria provided, single submitter. Criteria: Invitae Variant Classification Sherloc (09022015). Collection method: clinical testing. Allele origin: germline.
Comment: This sequence change replaces asparagine, which is neutral and polar, with lysine, which is basic and polar, at codon 1674 of the DICER1 protein (p.Asn1674Lys). This variant is not present in population databases (gnomAD no frequency). This variant has not been reported in the literature in individuals affected with DICER1-related conditions. ClinVar contains an entry for this variant (Variation ID: 936466). Advanced modeling of protein sequence and biophysical properties (such as structural, functional, and spatial information, amino acid conservation, physicochemical variation, residue mobility, and thermodynamic stability) performed at Invitae indicates that this missense variant is not expected to disrupt DICER1 protein function with a negative predictive value of 80%. In summary, the available evidence is currently insufficient to determine the role of this variant in disease. Therefore, it has been classified as a Variant of Uncertain Significance.